The following is an entry in ClinVar:

ClinVar aggregate classification (germline): Uncertain significance (1 of 4 stars; one submission).

Conditions:
Neurodevelopmental disorder with or without hyperkinetic movements and seizures, autosomal dominant. Also called: Intellectual disability, autosomal dominant 8. Identifiers: MedGen C3280282, MONDO:0013655, OMIM 614254.

Submission:

Labcorp Genetics (formerly Invitae), Labcorp
Classification: Uncertain significance for Neurodevelopmental disorder with or without hyperkinetic movements and seizures, autosomal dominant. Last evaluated: 2025-04-27. Review status: criteria provided, single submitter. Criteria: Invitae Variant Classification Sherloc (09022015). Collection method: clinical testing. Allele origin: germline.
Comment: This sequence change replaces cysteine, which is neutral and slightly polar, with serine, which is neutral and polar, at codon 455 of the GRIN1 protein (p.Cys455Ser). This variant is not present in population databases (gnomAD no frequency). This variant has not been reported in the literature in individuals affected with GRIN1-related conditions. ClinVar contains an entry for this variant (Variation ID: 2010546). Invitae Evidence Modeling of protein sequence and biophysical properties (such as structural, functional, and spatial information, amino acid conservation, physicochemical variation, residue mobility, and thermodynamic stability) has been performed for this missense variant. However, the output from this modeling did not meet the statistical confidence thresholds required to predict the impact of this variant on GRIN1 protein function. In summary, the available evidence is currently insufficient to determine the role of this variant in disease. Therefore, it has been classified as a Variant of Uncertain Significance.

NM_007327.4(GRIN1):c.1364G>C (p.Cys455Ser)

Gene: GRIN1 (glutamate ionotropic receptor NMDA type subunit 1; plus strand). Cytogenetic location: 9q34.3.
Variant type: single nucleotide variant.
Coding change: c.1364G>C on transcript NM_007327.4 (MANE Select); coding-DNA position 1364, G replaced by C.
Protein change: p.Cys455Ser; replaces cysteine 455 with serine.
Molecular consequence: missense variant.
Genome position (GRCh38, 1-based): chr9:137,161,313, G>C. VCF-style: chr9-137161313-G-C. GRCh37 (hg19) VCF-style: chr9-140055765-G-C.
Other names: c.1364G>C, p.Cys455Ser (NM_000832.7, NM_021569.4); c.1427G>C, p.Cys476Ser (NM_001185090.2, NM_001185091.2); short protein forms C455S, C476S.
Identifiers: ClinVar variation 2010546 (VCV002010546.4), dbSNP rs2538626491, ClinGen allele CA375716471.